The following is an entry in ClinVar:

NM_003738.5(PTCH2):c.1073G>A (p.Arg358His)

Gene: PTCH2 (patched 2; minus strand). Cytogenetic location: 1p34.1.
Variant type: single nucleotide variant.
Coding change: c.1073G>A on transcript NM_003738.5 (MANE Select); coding-DNA position 1073, G replaced by A.
Protein change: p.Arg358His; replaces arginine 358 with histidine.
Molecular consequence: missense variant.
Genome position (GRCh38, 1-based): chr1:44,829,624, C>T on the plus strand (G>A on the coding strand, the complement: PTCH2 is on the minus strand). VCF-style: chr1-44829624-C-T. GRCh37 (hg19) VCF-style: chr1-45295296-C-T.
Other names: c.1073G>A, p.Arg358His (NM_001166292.2); short protein forms R358H.
Identifiers: ClinVar variation 239552 (VCV000239552.41), dbSNP rs139624405, ClinGen allele CA823449.

ClinVar aggregate classification (germline): Benign/Likely benign. Review status: criteria provided, multiple submitters, no conflicts (2 of 4 stars). 6 submissions from 6 submitters: Benign (2); Likely benign (3). 1 of the submissions does not count toward it. Last evaluated 2026-06-01.

Conditions:
Gorlin syndrome. Also called: Nevoid Basal Cell Carcinoma Syndrome; Basal cell nevus syndrome. Identifiers: Orphanet 377, MedGen C0004779, MONDO:0007187.

Allele frequency attached by ClinVar (database versions not stated): 1000 Genomes Project 0.00140; 1000 Genomes Project 30x 0.00141; TOPMed 0.00515; ESP Exome Variant Server 0.00623; gnomAD 0.00666 and 0.00701; gnomAD exomes 0.00674 and 0.00756; ExAC 0.00720.
gnomAD v4.1: 11,930 of 1,614,206 alleles (0.74%); highest among the groups gnomAD compares: Non-Finnish European, 0.84%; 62 homozygotes.

Submissions (6):

CeGaT Center for Human Genetics Tuebingen
Classification: Likely benign. Last evaluated: 2026-06-01. Review status: criteria provided, single submitter. Criteria: CeGaT Center For Human Genetics Tuebingen Variant Classification Criteria Version 2. Collection method: clinical testing. Allele origin: germline. Affected: yes. Observed: 69 variant alleles.
Comment: PTCH2: BS2

Labcorp Genetics (formerly Invitae), Labcorp
Classification: Benign for Gorlin syndrome. Last evaluated: 2026-01-21. Review status: criteria provided, single submitter. Criteria: Invitae Variant Classification Sherloc (09022015). Collection method: clinical testing. Allele origin: germline.

Dasa
Classification: Benign. Last evaluated: 2025-11-18. Review status: criteria provided, single submitter. Criteria: DASA Assertion Criteria. Collection method: clinical testing. Allele origin: germline.
Comment: NM_003738.5(PTCH2):c.1073G>A (p.Arg358His) is a missense variant that results in the substitution of arginine with histidine. Population frequency is inconsistent with a disease-causing role for this variant, and observations in unaffected individuals support a benign interpretation. Therefore, based on the currently available evidence, this variant is classified as benign.

Center for Genomic Medicine, Rigshospitalet, Copenhagen University Hospital
Classification: Likely benign. Last evaluated: 2025-03-04. Review status: criteria provided, single submitter. Criteria: ACMG Guidelines, 2015. Collection method: clinical testing. Allele origin: germline.

GeneDx
Classification: Likely benign. Last evaluated: 2021-01-05. Review status: criteria provided, single submitter. Criteria: GeneDx Variant Classification Process June 2021. Collection method: clinical testing. Allele origin: germline. Affected: yes.

Department of Pathology and Laboratory Medicine, Sinai Health System
Classification: Benign. Review status: no assertion criteria provided. Collection method: clinical testing. Allele origin: unknown. Affected: yes. Study: The Canadian Open Genetics Repository (COGR). Not counted in ClinVar's aggregate classification.
Comment: The PTCH2 p.Arg358His variant was not identified in the literature nor was it identified in Cosmic. The variant was identified in dbSNP (ID: rs139624405), ClinVar (classified as benign by Invitae) and LOVD 3.0 (classified as likely benign and benign). The variant was identified in control databases in 1855 of 268230 chromosomes (14 homozygous) at a frequency of 0.006916 increasing the likelihood this could be a low frequency benign variant (Genome Aggregation Database March 6, 2019, v2.1.1). The variant was observed in the following populations: European (Finnish) in 495 of 25108 chromosomes (freq: 0.01971), European (non-Finnish) in 1147 of 118078 chromosomes (freq: 0.009714), Other in 54 of 6704 chromosomes (freq: 0.008055), Latino in 84 of 35104 chromosomes (freq: 0.002393), African in 41 of 23610 chromosomes (freq: 0.001737), South Asian in 26 of 30524 chromosomes (freq: 0.000852) and Ashkenazi Jewish in 8 of 9856 chromosomes (freq: 0.000812), but was not observed in the East Asian population. The p.Arg358 residue is conserved in mammals and computational analyses (PolyPhen-2, SIFT, AlignGVGD, BLOSUM, MutationTaster) provide inconsistent predictions regarding the impact to the protein; this information is not very predictive of pathogenicity. The variant occurs outside of the splicing consensus sequence and three of four in silico or computational prediction software programs (SpliceSiteFinder, MaxEntScan, NNSPLICE, GeneSplicer) do not predict a greater than 10% difference in splicing; this is not very predictive of pathogenicity. In summary, based on the above information this variant meets our laboratory's criteria to be classified as benign.